The following is an entry in ClinVar:

NM_003848.4(SUCLG2):c.191C>T (p.Thr64Ile)

Gene: SUCLG2 (succinate-CoA ligase GDP-forming subunit beta; minus strand). Cytogenetic location: 3p14.1.
Variant type: single nucleotide variant.
Coding change: c.191C>T on transcript NM_003848.4 (MANE Select); coding-DNA position 191, C replaced by T.
Protein change: p.Thr64Ile; replaces threonine 64 with isoleucine.
Molecular consequence: missense variant.
Genome position (GRCh38, 1-based): chr3:67,609,490, G>A on the plus strand (C>T on the coding strand, the complement: SUCLG2 is on the minus strand). VCF-style: chr3-67609490-G-A. GRCh37 (hg19) VCF-style: chr3-67659914-G-A.
Other names: c.191C>T, p.Thr64Ile (NM_001177599.2); short protein forms T64I.
Identifiers: ClinVar variation 4726830 (VCV004726830.1).
Genomic context (GRCh38, chr3:67,609,490, plus strand): 5'-TTTCACCCATTATGAATCAGCTTACTTAGTCTCTTAGCAGCCTCGAGAGCTTCATTTGCA[G>A]TGTCTGCTACAAAGAATCTTTGAACTCTCACTCCGTTGTCAGACATCAGTTTCTTGCTCT-3'
Protein context (NP_003839.2, residues 54-74): VRVQRFFVAD[Thr64Ile]ANEALEAAKR

ClinVar aggregate classification (germline): Uncertain significance (1 of 4 stars; one submission).

gnomAD v4.1: 190 of 1,613,362 alleles (0.012%); highest among the groups gnomAD compares: South Asian, 0.18%; 3 homozygotes.

Submission:

Labcorp Genetics (formerly Invitae), Labcorp
Classification: Uncertain significance. Last evaluated: 2025-12-14. Review status: criteria provided, single submitter. Criteria: Invitae Variant Classification Sherloc (09022015). Collection method: clinical testing. Allele origin: germline.
Comment: This sequence change replaces threonine, which is neutral and polar, with isoleucine, which is neutral and non-polar, at codon 64 of the SUCLG2 protein (p.Thr64Ile). This variant is present in population databases (rs569106050, gnomAD 0.2%), and has an allele count higher than expected for a pathogenic variant. This variant has not been reported in the literature in individuals affected with SUCLG2-related conditions. An algorithm developed to predict the effect of missense changes on protein structure and function (PolyPhen-2) suggests that this variant is likely to be disruptive. In summary, the available evidence is currently insufficient to determine the role of this variant in disease. Therefore, it has been classified as a Variant of Uncertain Significance.